The following is an entry in ClinVar:

ClinVar aggregate classification (germline): Conflicting classifications of pathogenicity. Review status: criteria provided, conflicting classifications (1 of 4 stars). 2 submissions from 2 submitters: Uncertain significance (1); Likely benign (1). Last evaluated 2023-08-18.

Conditions:
Pulmonary fibrosis and/or bone marrow failure, Telomere-related, 3. Also called: PULMONARY FIBROSIS AND/OR BONE MARROW FAILURE SYNDROME, TELOMERE-RELATED, 3. Identifiers: Orphanet 2032, MedGen C4225346, MONDO:0014613, OMIM 616373.
Dyskeratosis congenita, autosomal recessive 5 (DKCB5). Identifiers: MedGen C3554656, MONDO:0014076, OMIM 615190.
Dyskeratosis congenita. Identifiers: Orphanet 1775, MedGen C0265965, MONDO:0015780.

Allele frequency attached by ClinVar (database versions not stated): gnomAD exomes 0.00001 and 0.00002; TOPMed 0.00001; ExAC 0.00002.
gnomAD v4.1: 10 of 1,609,664 alleles (0.00062%); highest among the groups gnomAD compares: South Asian, 0.0055%; no homozygotes.

Submissions (2):

Labcorp Genetics (formerly Invitae), Labcorp
Classification: Likely benign for Dyskeratosis congenita, autosomal recessive 5; Pulmonary fibrosis and/or bone marrow failure, Telomere-related, 3. Last evaluated: 2023-08-18. Review status: criteria provided, single submitter. Criteria: Invitae Variant Classification Sherloc (09022015). Collection method: clinical testing. Allele origin: germline.

Sema4
Classification: Uncertain significance for Dyskeratosis congenita. Last evaluated: 2022-03-02. Review status: criteria provided, single submitter. Criteria: Sema4 Curation Guidelines. Collection method: curation. Allele origin: germline.
Comment: The RTEL1 c.1723-13C>T variant in transcript NM_001283009.1, also known as c.1795-13C>T in transcript NM_032957.5, has not been reported in the literature to our knowledge. This variant was observed in 2/30034 chromosomes in the South Asian population according to the Genome Aggregation Database (PMID: 32461654). The variant has not been reported in ClinVar. In silico tools suggest the variant does not affect normal splicing, though these predictions have not been confirmed by functional studies. The evidence is insufficient to meet ACMG/AMP criteria for classifying the variant as benign or pathogenic. Thus, the clinical significance of this variant is currently uncertain.

NM_001283009.2(RTEL1):c.1723-13C>T

Genes: RTEL1-TNFRSF6B (RTEL1-TNFRSF6B readthrough (NMD candidate); plus strand), RTEL1 (regulator of telomere elongation helicase 1; plus strand). Cytogenetic location: 20q13.33.
Variant type: single nucleotide variant.
Coding change: c.1723-13C>T on transcript NM_001283009.2 (MANE Select); 13 bases into the intron before coding-DNA position 1723, C replaced by T.
Molecular consequence: intron variant.
Genome position (GRCh38, 1-based): chr20:63,688,515, C>T. VCF-style: chr20-63688515-C-T. GRCh37 (hg19) VCF-style: chr20-62319868-C-T.
Other names: c.1795-13C>T (NM_032957.5); c.1723-13C>T (NM_016434.4); c.1054-13C>T (NM_001283010.1).
Identifiers: ClinVar variation 1692611 (VCV001692611.4), dbSNP rs751640004, ClinGen allele CA9964954.
Genomic context (GRCh38, chr20:63,688,515, plus strand): 5'-ACAGCTCCTGCTTGCCCTCATCGGATCGGCGGCGTGACCAGGGCTGCCGTGTCCCTGCCT[C>T]TTCCTCCCACAGGCCCGCGACTTGGCCAGGAAGATGGAGGCGCTGAAGCCGCTGTTTGTG-3'